The following is an entry in ClinVar:

NM_005559.4(LAMA1):c.7724C>T (p.Thr2575Met)

Genes: LAMA1 (laminin subunit alpha 1; minus strand), LOC126862685 (BRD4-independent group 4 enhancer GRCh37_chr18:6958646-6959845; plus strand). Cytogenetic location: 18p11.31.
Variant type: single nucleotide variant.
Coding change: c.7724C>T on transcript NM_005559.4 (MANE Select); coding-DNA position 7724, C replaced by T.
Protein change: p.Thr2575Met; replaces threonine 2575 with methionine.
Molecular consequence: missense variant.
Genome position (GRCh38, 1-based): chr18:6,959,395, G>A on the plus strand (C>T on the coding strand, the complement: LAMA1 is on the minus strand). VCF-style: chr18-6959395-G-A. GRCh37 (hg19) VCF-style: chr18-6959394-G-A.
Other names: p.Thr2575Met; short protein forms T2575M.
Identifiers: ClinVar variation 789235 (VCV000789235.37), dbSNP rs76482057, ClinGen allele CA8880807.

ClinVar aggregate classification (germline): Benign/Likely benign. Review status: criteria provided, multiple submitters, no conflicts (2 of 4 stars). 5 submissions from 5 submitters: Benign (3); Likely benign (1). 1 of the submissions does not count toward it. Last evaluated 2026-09-01.

Conditions:
LAMA1-related disorder. Also called: LAMA1-related condition; LAMA1-related disorders.

Allele frequency attached by ClinVar (database versions not stated): 1000 Genomes Project 30x 0.00141; 1000 Genomes Project 0.00160; TOPMed 0.00240; ExAC 0.00302; ESP Exome Variant Server 0.00323; gnomAD 0.00334 and 0.00342; gnomAD exomes 0.00343 and 0.00451.
gnomAD v4.1: 7,045 of 1,614,144 alleles (0.44%); highest among the groups gnomAD compares: Non-Finnish European, 0.5%; 41 homozygotes.

Submissions (5):

CeGaT Center for Human Genetics Tuebingen
Classification: Likely benign. Last evaluated: 2026-09-01. Review status: criteria provided, single submitter. Criteria: CeGaT Center For Human Genetics Tuebingen Variant Classification Criteria Version 2. Collection method: clinical testing. Allele origin: germline. Affected: yes. Observed: 18 variant alleles.
Comment: LAMA1: BP4, BS2

Labcorp Genetics (formerly Invitae), Labcorp
Classification: Benign. Last evaluated: 2025-12-03. Review status: criteria provided, single submitter. Criteria: Invitae Variant Classification Sherloc (09022015). Collection method: clinical testing. Allele origin: germline.

Mayo Clinic Laboratories, Mayo Clinic
Classification: Benign. Last evaluated: 2023-06-27. Review status: criteria provided, single submitter. Criteria: ACMG Guidelines, 2015. Collection method: clinical testing. Allele origin: germline. Observed: 5 variant alleles.
Comment: BS1, BS2, BP4

Breakthrough Genomics
Classification: Benign. Review status: criteria provided, single submitter. Criteria: ACMG Guidelines, 2015. Collection method: not provided. Allele origin: germline. Inheritance: Autosomal recessive inheritance. Affected: yes.

PreventionGenetics, part of Exact Sciences
Classification: Benign for LAMA1-related condition. Last evaluated: 2019-06-25. Review status: no assertion criteria provided. Collection method: clinical testing. Allele origin: germline. Not counted in ClinVar's aggregate classification.
Comment: This variant is classified as benign based on ACMG/AMP sequence variant interpretation guidelines (Richards et al. 2015 PMID: 25741868, with internal and published modifications).